The following is an entry in ClinVar:

ClinVar aggregate classification (germline): Uncertain significance. Review status: criteria provided, multiple submitters, no conflicts (2 of 4 stars). 3 submissions from 3 submitters: Uncertain significance (3). Last evaluated 2024-01-24.

Conditions:
Myoglobinuria, acute recurrent, autosomal recessive. Also called: MYOGLOBINURIA, FAMILIAL PAROXYSMAL PARALYTIC; RHABDOMYOLYSIS, ACUTE RECURRENT; Myoglobinuria, recurrent, autosomal recessive. Identifiers: Orphanet 99845, MedGen C1849386, MONDO:0009992, OMIM 268200.

Allele frequency attached by ClinVar (database versions not stated): TOPMed 0.00003.
gnomAD v4.1: 40 of 1,613,964 alleles (0.0025%); highest among the groups gnomAD compares: Admixed American, 0.0083%; no homozygotes.

Submissions (3):

Fulgent Genetics
Classification: Uncertain significance for Myoglobinuria, acute recurrent, autosomal recessive. Last evaluated: 2024-01-24. Review status: criteria provided, single submitter. Criteria: ACMG Guidelines, 2015. Collection method: clinical testing. Allele origin: germline.

Labcorp Genetics (formerly Invitae), Labcorp
Classification: Uncertain significance. Last evaluated: 2022-08-13. Review status: criteria provided, single submitter. Criteria: Invitae Variant Classification Sherloc (09022015). Collection method: clinical testing. Allele origin: germline.
Comment: This sequence change replaces arginine, which is basic and polar, with histidine, which is basic and polar, at codon 37 of the LPIN1 protein (p.Arg37His). This variant is present in population databases (rs774490262, gnomAD 0.02%). This variant has not been reported in the literature in individuals affected with LPIN1-related conditions. ClinVar contains an entry for this variant (Variation ID: 330902). Algorithms developed to predict the effect of missense changes on protein structure and function are either unavailable or do not agree on the potential impact of this missense change (SIFT: "Deleterious"; PolyPhen-2: "Possibly Damaging"; Align-GVGD: "Class C0"). In summary, the available evidence is currently insufficient to determine the role of this variant in disease. Therefore, it has been classified as a Variant of Uncertain Significance.

Illumina Laboratory Services, Illumina
Classification: Uncertain significance for Myoglobinuria, acute recurrent, autosomal recessive. Last evaluated: 2018-01-12. Review status: criteria provided, single submitter. Criteria: ICSL Variant Classification Criteria 13 December 2019. Collection method: clinical testing. Allele origin: germline.

NM_001349206.2(LPIN1):c.110G>A (p.Arg37His)

Gene: LPIN1 (lipin 1; plus strand). Cytogenetic location: 2p25.1.
Variant type: single nucleotide variant.
Coding change: c.110G>A on transcript NM_001349206.2 (MANE Select); coding-DNA position 110, G replaced by A.
Protein change: p.Arg37His; replaces arginine 37 with histidine.
Molecular consequence: missense variant. On other transcripts: non-coding transcript variant (1).
Genome position (GRCh38, 1-based): chr2:11,765,651, G>A. VCF-style: chr2-11765651-G-A. GRCh37 (hg19) VCF-style: chr2-11905777-G-A.
Other names: c.128G>A, p.Arg43His (NM_001261427.3); c.257G>A, p.Arg86His (NM_001261428.3, NM_001349208.2); c.110G>A, p.Arg37His (NM_001349199.2, NM_001349200.2, NM_001349201.2 and 5 more transcripts); c.200G>A, p.Arg67His (NM_001349207.2); short protein forms R37H, R43H, R86H, R67H.
Identifiers: ClinVar variation 330902 (VCV000330902.8), dbSNP rs774490262, ClinGen allele CA1533335.